The following is an entry in ClinVar:

ClinVar aggregate classification (germline): Uncertain significance (1 of 4 stars; one submission).

Submission:

Labcorp Genetics (formerly Invitae), Labcorp
Classification: Uncertain significance. Last evaluated: 2022-09-13. Review status: criteria provided, single submitter. Criteria: Invitae Variant Classification Sherloc (09022015). Collection method: clinical testing. Allele origin: germline.
Comment: This sequence change replaces glutamic acid with alanine at codon 1063 of the CEP250 protein (p.Glu1063Ala). The glutamic acid residue is moderately conserved and there is a moderate physicochemical difference between glutamic acid and alanine. This variant is not present in population databases (gnomAD no frequency). This variant has not been reported in the literature in individuals affected with CEP250-related conditions. ClinVar contains an entry for this variant (Variation ID: 1500910). Algorithms developed to predict the effect of missense changes on protein structure and function are either unavailable or do not agree on the potential impact of this missense change (SIFT: "Not Available"; PolyPhen-2: "Possibly Damaging"; Align-GVGD: "Not Available"). In summary, the available evidence is currently insufficient to determine the role of this variant in disease. Therefore, it has been classified as a Variant of Uncertain Significance.

NM_007186.6(CEP250):c.3188A>C (p.Glu1063Ala)

Gene: CEP250 (centrosomal protein 250; plus strand). Cytogenetic location: 20q11.22.
Variant type: single nucleotide variant.
Coding change: c.3188A>C on transcript NM_007186.6 (MANE Select); coding-DNA position 3188, A replaced by C.
Protein change: p.Glu1063Ala; replaces glutamic acid 1063 with alanine.
Molecular consequence: missense variant.
Genome position (GRCh38, 1-based): chr20:35,496,597, A>C. VCF-style: chr20-35496597-A-C. GRCh37 (hg19) VCF-style: chr20-34084426-A-C.
Other names: c.1292A>C, p.Glu431Ala (NM_001318219.1); short protein forms E1063A, E431A.
Identifiers: ClinVar variation 1500910 (VCV001500910.6), dbSNP rs2147097201, ClinGen allele CA408742482.